The following is an entry in ClinVar:

ClinVar aggregate classification (germline): Uncertain significance (1 of 4 stars; one submission).

Conditions:
Infantile neuroaxonal dystrophy (NBIA2A). Also called: NEURODEGENERATION WITH BRAIN IRON ACCUMULATION 2A; SEITELBERGER DISEASE; Infantile neuroaxonal dystrophy 1. Identifiers: Orphanet 35069, MedGen C0270724, MONDO:0024457, OMIM 256600.

Allele frequency attached by ClinVar (database versions not stated): ExAC 0.00005; gnomAD 0.00001; TOPMed 0.00001.
gnomAD v4.1: 26 of 1,559,426 alleles (0.0017%); highest among the groups gnomAD compares: Non-Finnish European, 0.0022%; no homozygotes.

Submission:

Labcorp Genetics (formerly Invitae), Labcorp
Classification: Uncertain significance for Infantile neuroaxonal dystrophy. Last evaluated: 2023-08-04. Review status: criteria provided, single submitter. Criteria: Invitae Variant Classification Sherloc (09022015). Collection method: clinical testing. Allele origin: germline.
Comment: In summary, the available evidence is currently insufficient to determine the role of this variant in disease. Therefore, it has been classified as a Variant of Uncertain Significance. Advanced modeling of protein sequence and biophysical properties (such as structural, functional, and spatial information, amino acid conservation, physicochemical variation, residue mobility, and thermodynamic stability) performed at Invitae indicates that this missense variant is expected to disrupt PLA2G6 protein function. ClinVar contains an entry for this variant (Variation ID: 2053641). This variant has not been reported in the literature in individuals affected with PLA2G6-related conditions. The frequency data for this variant in the population databases is considered unreliable, as metrics indicate poor data quality at this position in the gnomAD database. This sequence change replaces arginine, which is basic and polar, with cysteine, which is neutral and slightly polar, at codon 327 of the PLA2G6 protein (p.Arg327Cys).

NM_003560.4(PLA2G6):c.979C>T (p.Arg327Cys)

Gene: PLA2G6 (phospholipase A2 group VI; minus strand). Cytogenetic location: 22q13.1.
Variant type: single nucleotide variant.
Coding change: c.979C>T on transcript NM_003560.4 (MANE Select); coding-DNA position 979, C replaced by T.
Protein change: p.Arg327Cys; replaces arginine 327 with cysteine.
Molecular consequence: missense variant.
Genome position (GRCh38, 1-based): chr22:38,132,929, G>A on the plus strand (C>T on the coding strand, the complement: PLA2G6 is on the minus strand). VCF-style: chr22-38132929-G-A. GRCh37 (hg19) VCF-style: chr22-38528936-G-A.
Other names: c.979C>T, p.Arg327Cys (NM_001004426.3, NM_001199562.3, NM_001349864.2 and 2 more transcripts); c.445C>T, p.Arg149Cys (NM_001349867.2, NM_001349869.2); c.301C>T, p.Arg101Cys (NM_001349868.2); short protein forms R101C, R149C, R327C.
Identifiers: ClinVar variation 2053641 (VCV002053641.3), dbSNP rs763890020, ClinGen allele CA10231080.
Genomic context (GRCh38, chr22:38,132,929, plus strand): 5'-CGCGGGCATCCGCGTTGGCCCCGTGGGTCAGCAGCACTATGGCACAGTCGAAGCGGTTGC[G>A]CATCACCGCCACGTGCAGGGCCGTGTTCCCCGCGGAGCTGGTGCTGTTCACGTTGCAGCC-3'
Protein context (NP_003551.2, residues 317-337): GNTALHVAVM[Arg327Cys]NRFDCAIVLL